The following is an entry in ClinVar:

ClinVar aggregate classification (germline): Benign/Likely benign. Review status: criteria provided, multiple submitters, no conflicts (2 of 4 stars). 3 submissions from 3 submitters: Benign (1); Likely benign (2). Last evaluated 2024-05-13.

Conditions:
Familial cancer of breast. Also called: Hereditary breast cancer; BREAST CANCER, FAMILIAL; hereditary breast carcinoma. Identifiers: Orphanet 227535, MedGen C0346153, MONDO:0016419, OMIM 114480. Disease mechanism: loss of function.
Ataxia-telangiectasia syndrome (AT). Also called: Ataxia telangiectasia (A-T); Cerebello-oculocutaneous telangiectasia; Immunodeficiency with ataxia telangiectasia; LOUIS-BAR SYNDROME; ATAXIA-TELANGIECTASIA, FRESNO VARIANT; Ataxia-telangiectasia, complementation group D. Identifiers: Orphanet 100, MedGen C0004135, MONDO:0008840, OMIM 208900.
Hereditary cancer-predisposing syndrome. Also called: Tumor predisposition; Hereditary Cancer Syndrome; Neoplastic Syndromes, Hereditary; Hereditary neoplastic syndrome. Identifiers: Orphanet 140162, MedGen C0027672, MeSH D009386, MONDO:0015356.

Submissions (3):

Myriad Genetics, Inc.
Classification: Benign for Familial cancer of breast. Last evaluated: 2024-05-13. Review status: criteria provided, single submitter. Criteria: Myriad Autosomal Dominant, Autosomal Recessive and X-Linked Classification Criteria (2023). Collection method: clinical testing. Allele origin: unknown.
Comment: This variant is considered benign. This variant is a silent/synonymous amino acid change and it is not expected to impact splicing.

Ambry Genetics
Classification: Likely benign for Hereditary cancer-predisposing syndrome. Last evaluated: 2023-05-02. Review status: criteria provided, single submitter. Criteria: Ambry Variant Classification Scheme 2023. Collection method: clinical testing. Allele origin: germline.

Labcorp Genetics (formerly Invitae), Labcorp
Classification: Likely benign for Ataxia-telangiectasia syndrome. Last evaluated: 2021-09-10. Review status: criteria provided, single submitter. Criteria: Invitae Variant Classification Sherloc (09022015). Collection method: clinical testing. Allele origin: germline.

NM_000051.4(ATM):c.3111T>C (p.Ser1037=)

Gene: ATM (ATM serine/threonine kinase; plus strand). Cytogenetic location: 11q22.3.
Variant type: single nucleotide variant.
Coding change: c.3111T>C on transcript NM_000051.4 (MANE Select); coding-DNA position 3111, T replaced by C.
Protein change: p.Ser1037=; no amino-acid change (serine 1037 retained).
Molecular consequence: synonymous variant.
Genome position (GRCh38, 1-based): chr11:108,272,565, T>C. VCF-style: chr11-108272565-T-C. GRCh37 (hg19) VCF-style: chr11-108143292-T-C.
Other names: c.3111T>C, p.Ser1037= (NM_001351834.2).
Identifiers: ClinVar variation 764523 (VCV000764523.11), dbSNP rs1591608393, ClinGen allele CA476744769.